The following is an entry in ClinVar:

ClinVar aggregate classification (germline): Uncertain significance (1 of 4 stars; one submission).

Allele frequency attached by ClinVar (database versions not stated): gnomAD exomes 0.00003 and 0.00004; gnomAD 0.00004 and 0.00005; TOPMed 0.00005; ExAC 0.00008; ESP Exome Variant Server 0.00015.
gnomAD v4.1: 47 of 1,605,790 alleles (0.0029%); highest among the groups gnomAD compares: Middle Eastern, 0.099%; no homozygotes.

Submission:

Labcorp Genetics (formerly Invitae), Labcorp
Classification: Uncertain significance. Last evaluated: 2022-10-24. Review status: criteria provided, single submitter. Criteria: Invitae Variant Classification Sherloc (09022015). Collection method: clinical testing. Allele origin: germline.
Comment: This sequence change replaces asparagine, which is neutral and polar, with serine, which is neutral and polar, at codon 357 of the AHR protein (p.Asn357Ser). This variant is present in population databases (rs145249237, gnomAD 0.008%). This variant has not been reported in the literature in individuals affected with AHR-related conditions. ClinVar contains an entry for this variant (Variation ID: 956062). Algorithms developed to predict the effect of missense changes on protein structure and function (SIFT, PolyPhen-2, Align-GVGD) all suggest that this variant is likely to be tolerated. In summary, the available evidence is currently insufficient to determine the role of this variant in disease. Therefore, it has been classified as a Variant of Uncertain Significance.

NM_001621.5(AHR):c.1070A>G (p.Asn357Ser)

Gene: AHR (aryl hydrocarbon receptor; plus strand). Cytogenetic location: 7p21.1.
Variant type: single nucleotide variant.
Coding change: c.1070A>G on transcript NM_001621.5 (MANE Select); coding-DNA position 1070, A replaced by G.
Protein change: p.Asn357Ser; replaces asparagine 357 with serine.
Molecular consequence: missense variant.
Genome position (GRCh38, 1-based): chr7:17,335,696, A>G. VCF-style: chr7-17335696-A-G. GRCh37 (hg19) VCF-style: chr7-17375320-A-G.
Other names: short protein forms N357S.
Identifiers: ClinVar variation 956062 (VCV000956062.5), dbSNP rs145249237, ClinGen allele CA4172011.